The following is an entry in ClinVar:

NM_145068.4(TRPV3):c.1183G>A (p.Val395Met)

Gene: TRPV3 (transient receptor potential cation channel subfamily V member 3; minus strand). Cytogenetic location: 17p13.2.
Variant type: single nucleotide variant.
Coding change: c.1183G>A on transcript NM_145068.4 (MANE Select); coding-DNA position 1183, G replaced by A.
Protein change: p.Val395Met; replaces valine 395 with methionine.
Molecular consequence: missense variant.
Genome position (GRCh38, 1-based): chr17:3,530,086, C>T on the plus strand (G>A on the coding strand, the complement: TRPV3 is on the minus strand). VCF-style: chr17-3530086-C-T. GRCh37 (hg19) VCF-style: chr17-3433380-C-T.
Other names: c.1183G>A, p.Val395Met (NM_001258205.2); short protein forms V395M.
Identifiers: ClinVar variation 3685209 (VCV003685209.2).

ClinVar aggregate classification (germline): Uncertain significance (1 of 4 stars; one submission).

Submission:

Labcorp Genetics (formerly Invitae), Labcorp
Classification: Uncertain significance. Last evaluated: 2024-05-07. Review status: criteria provided, single submitter. Criteria: Invitae Variant Classification Sherloc (09022015). Collection method: clinical testing. Allele origin: germline.
Comment: This sequence change replaces valine, which is neutral and non-polar, with methionine, which is neutral and non-polar, at codon 395 of the TRPV3 protein (p.Val395Met). This variant is present in population databases (rs774370934, gnomAD 0.006%). This variant has not been reported in the literature in individuals affected with TRPV3-related conditions. An algorithm developed to predict the effect of missense changes on protein structure and function (PolyPhen-2) suggests that this variant is likely to be tolerated. In summary, the available evidence is currently insufficient to determine the role of this variant in disease. Therefore, it has been classified as a Variant of Uncertain Significance.